The following is an entry in ClinVar:

NM_175875.5(SIX5):c.2071C>T (p.His691Tyr)

Gene: SIX5 (SIX homeobox 5; minus strand). Cytogenetic location: 19q13.32.
Variant type: single nucleotide variant.
Coding change: c.2071C>T on transcript NM_175875.5 (MANE Select); coding-DNA position 2071, C replaced by T.
Protein change: p.His691Tyr; replaces histidine 691 with tyrosine.
Molecular consequence: missense variant.
Genome position (GRCh38, 1-based): chr19:45,765,650, G>A on the plus strand (C>T on the coding strand, the complement: SIX5 is on the minus strand). VCF-style: chr19-45765650-G-A. GRCh37 (hg19) VCF-style: chr19-46268908-G-A.
Other names: short protein forms H691Y.
Identifiers: ClinVar variation 4774489 (VCV004774489.1).

ClinVar aggregate classification (germline): Uncertain significance (1 of 4 stars; one submission).

Submission:

Labcorp Genetics (formerly Invitae), Labcorp
Classification: Uncertain significance. Last evaluated: 2026-02-01. Review status: criteria provided, single submitter. Criteria: Invitae Variant Classification Sherloc (09022015). Collection method: clinical testing. Allele origin: germline.
Comment: This sequence change replaces histidine, which is basic and polar, with tyrosine, which is neutral and polar, at codon 691 of the SIX5 protein (p.His691Tyr). This variant is not present in population databases (gnomAD no frequency). This variant has not been reported in the literature in individuals affected with SIX5-related conditions. An algorithm developed to predict the effect of missense changes on protein structure and function (PolyPhen-2) suggests that this variant is likely to be tolerated. In summary, the available evidence is currently insufficient to determine the role of this variant in disease. Therefore, it has been classified as a Variant of Uncertain Significance.